The following is an entry in ClinVar:

NM_020738.4(KIDINS220):c.4057C>T (p.Gln1353Ter)

Gene: KIDINS220 (kinase D interacting substrate 220; minus strand). Cytogenetic location: 2p25.1.
Variant type: single nucleotide variant.
Coding change: c.4057C>T on transcript NM_020738.4 (MANE Select); coding-DNA position 4057, C replaced by T.
Protein change: p.Gln1353Ter; replaces glutamine 1353 with a stop codon.
Molecular consequence: nonsense. On other transcripts: intron variant (6).
Genome position (GRCh38, 1-based): chr2:8,731,979, G>A on the plus strand (C>T on the coding strand, the complement: KIDINS220 is on the minus strand). VCF-style: chr2-8731979-G-A. GRCh37 (hg19) VCF-style: chr2-8872109-G-A.
Other names: c.4060C>T, p.Gln1354Ter (NM_001348729.2); c.4003C>T, p.Gln1335Ter (NM_001348731.2); c.4000C>T, p.Gln1334Ter (NM_001348732.2); c.3889C>T, p.Gln1297Ter (NM_001348734.2); c.3886C>T, p.Gln1296Ter (NM_001348735.2); c.3760C>T, p.Gln1254Ter (NM_001348736.2); c.3882+1465C>T (NM_001348741.2, NM_001348742.2, NM_001348743.2); c.3996+1465C>T (NM_001348738.2); and 1 more; short protein forms Q1254*, Q1335*, Q1297*, Q1353*, Q1334*, Q1296*, Q1354*.
Identifiers: ClinVar variation 4718823 (VCV004718823.1).
Genomic context (GRCh38, chr2:8,731,979, plus strand): 5'-AAATTTCAATACTGGAATCCTGGGAATTGAGACTCGAAAGACTTGGGGTTCTGCGAGTTT[G>A]TGACTGTGAAGACAGAAAAAAAATAATTTAAAAATTCAAATAAGAAGAAAAAAGGCATAA-3'

ClinVar aggregate classification (germline): Uncertain significance (1 of 4 stars; one submission).

Submission:

Labcorp Genetics (formerly Invitae), Labcorp
Classification: Uncertain significance. Last evaluated: 2025-05-02. Review status: criteria provided, single submitter. Criteria: Invitae Variant Classification Sherloc (09022015). Collection method: clinical testing. Allele origin: germline.
Comment: This sequence change creates a premature translational stop signal (p.Gln1353*) in the KIDINS220 gene. While this is not anticipated to result in nonsense mediated decay, it is expected to disrupt the last 419 amino acid(s) of the KIDINS220 protein. This variant is not present in population databases (gnomAD no frequency). This variant has not been reported in the literature in individuals affected with KIDINS220-related conditions. Experimental studies and prediction algorithms are not available or were not evaluated, and the functional significance of this variant is currently unknown. In summary, the available evidence is currently insufficient to determine the role of this variant in disease. Therefore, it has been classified as a Variant of Uncertain Significance.